The following is an entry in ClinVar:

ClinVar aggregate classification (germline): Uncertain significance (1 of 4 stars; one submission).

Conditions:
Primary ciliary dyskinesia. Also called: Ciliary dyskinesia. Identifiers: Orphanet 244, MedGen C0008780, MONDO:0016575, HP:0012265.

Allele frequency attached by ClinVar (database versions not stated): TOPMed 0.00001; ExAC 0.00002.
gnomAD v4.1: 4 of 1,614,066 alleles (0.00025%); highest among the groups gnomAD compares: Admixed American, 0.0067%; no homozygotes.

Submission:

Labcorp Genetics (formerly Invitae), Labcorp
Classification: Uncertain significance for Primary ciliary dyskinesia. Last evaluated: 2019-12-30. Review status: criteria provided, single submitter. Criteria: Invitae Variant Classification Sherloc (09022015). Collection method: clinical testing. Allele origin: germline.
Comment: Algorithms developed to predict the effect of missense changes on protein structure and function (SIFT, PolyPhen-2, Align-GVGD) all suggest that this variant is likely to be tolerated, but these predictions have not been confirmed by published functional studies and their clinical significance is uncertain. In summary, the available evidence is currently insufficient to determine the role of this variant in disease. Therefore, it has been classified as a Variant of Uncertain Significance. This variant has not been reported in the literature in individuals with DRC1-related conditions. This variant is present in population databases (rs752777750, ExAC 0.02%). This sequence change replaces valine with glycine at codon 652 of the DRC1 protein (p.Val652Gly). The valine residue is weakly conserved and there is a moderate physicochemical difference between valine and glycine.

NM_145038.5(DRC1):c.1955T>G (p.Val652Gly)

Gene: DRC1 (dynein regulatory complex subunit 1; plus strand). Cytogenetic location: 2p23.3.
Variant type: single nucleotide variant.
Coding change: c.1955T>G on transcript NM_145038.5 (MANE Select); coding-DNA position 1955, T replaced by G.
Protein change: p.Val652Gly; replaces valine 652 with glycine.
Molecular consequence: missense variant.
Genome position (GRCh38, 1-based): chr2:26,454,682, T>G. VCF-style: chr2-26454682-T-G. GRCh37 (hg19) VCF-style: chr2-26677550-T-G.
Other names: short protein forms V652G.
Identifiers: ClinVar variation 838592 (VCV000838592.10), dbSNP rs752777750, ClinGen allele CA1562460.
Genomic context (GRCh38, chr2:26,454,682, plus strand): 5'-CAATCACTGTGCTCTTGGCCTTCAGGGACTCGCGGGCCCCGCTGAGGGTACAGAAGAATG[T>G]GCGTGACAACTCCAAGGACTCGGAGTACTGGCAGGCCCTGACCACAGTGATCCCTTCCTC-3'
Protein context (NP_659475.2, residues 642-662): SRAPLRVQKN[Val652Gly]RDNSKDSEYW